The following is an entry in ClinVar:

ClinVar aggregate classification (germline): Pathogenic (0 of 4 stars; one submission).

Conditions:
Diabetes mellitus. Also called: Diabetes mellitus (disease). Identifiers: MedGen C0011849, MONDO:0005015, HP:0000819.

gnomAD v4.1: 5 of 1,611,424 alleles (0.00031%); highest among the groups gnomAD compares: African/African-American, 0.0013%; no homozygotes.

Submission:

Constantin Polychronakos Laboratory, The Research Institute of the McGill University Health Centre
Classification: Pathogenic for Diabetes mellitus. Review status: no assertion criteria provided. Collection method: research. Allele origin: paternal. Inheritance: Autosomal recessive inheritance. Affected: yes. Study: T1DGC.
Comment: PS1 PM2 PM3 PP3 PP4

NM_006005.3(WFS1):c.1514G>A (p.Cys505Tyr)

Gene: WFS1 (wolframin ER transmembrane glycoprotein; plus strand). Cytogenetic location: 4p16.1.
Variant type: single nucleotide variant.
Coding change: c.1514G>A on transcript NM_006005.3 (MANE Select); coding-DNA position 1514, G replaced by A.
Protein change: p.Cys505Tyr; replaces cysteine 505 with tyrosine.
Molecular consequence: missense variant.
Genome position (GRCh38, 1-based): chr4:6,301,309, G>A. VCF-style: chr4-6301309-G-A. GRCh37 (hg19) VCF-style: chr4-6303036-G-A.
Other names: c.1514G>A, p.Cys505Tyr (NM_001145853.1); short protein forms C505Y.
Identifiers: ClinVar variation 918063 (VCV000918063.1), dbSNP rs1445355190, ClinGen allele CA356175780.